The following is an entry in ClinVar:

ClinVar aggregate classification (germline): Uncertain significance (1 of 4 stars; one submission).

Allele frequency attached by ClinVar (database versions not stated): gnomAD exomes below 0.00001; TOPMed below 0.00001; gnomAD 0.00001.
gnomAD v4.1: 2 of 1,613,964 alleles (0.00012%); highest among the groups gnomAD compares: Non-Finnish European, 0.00017%; no homozygotes.

Submission:

Labcorp Genetics (formerly Invitae), Labcorp
Classification: Uncertain significance. Last evaluated: 2023-10-13. Review status: criteria provided, single submitter. Criteria: Invitae Variant Classification Sherloc (09022015). Collection method: clinical testing. Allele origin: germline.
Comment: This sequence change replaces isoleucine, which is neutral and non-polar, with valine, which is neutral and non-polar, at codon 320 of the CNNM4 protein (p.Ile320Val). This variant is not present in population databases (gnomAD no frequency). This variant has not been reported in the literature in individuals affected with CNNM4-related conditions. ClinVar contains an entry for this variant (Variation ID: 1399989). Advanced modeling of protein sequence and biophysical properties (such as structural, functional, and spatial information, amino acid conservation, physicochemical variation, residue mobility, and thermodynamic stability) performed at Invitae indicates that this missense variant is not expected to disrupt CNNM4 protein function. In summary, the available evidence is currently insufficient to determine the role of this variant in disease. Therefore, it has been classified as a Variant of Uncertain Significance.

NM_020184.4(CNNM4):c.958A>G (p.Ile320Val)

Gene: CNNM4 (cyclin and CBS domain divalent metal cation transport mediator 4; plus strand). Cytogenetic location: 2q11.2.
Variant type: single nucleotide variant.
Coding change: c.958A>G on transcript NM_020184.4 (MANE Select); coding-DNA position 958, A replaced by G.
Protein change: p.Ile320Val; replaces isoleucine 320 with valine.
Molecular consequence: missense variant.
Genome position (GRCh38, 1-based): chr2:96,761,957, A>G. VCF-style: chr2-96761957-A-G. GRCh37 (hg19) VCF-style: chr2-97427694-A-G.
Other names: short protein forms I320V.
Identifiers: ClinVar variation 1399989 (VCV001399989.8), dbSNP rs2078768552, ClinGen allele CA347715571.
Genomic context (GRCh38, chr2:96,761,957, plus strand): 5'-GCCAACACCATCCTTCTCACCAAATTCTTTATGCTACTCACCTTCCCCCTCAGTTTTCCC[A>G]TTAGCAAGCTCCTGGACTTTTTTCTGGGCCAGGAGATTCGCACTGTTTACAACCGGGAGA-3'
Protein context (NP_064569.3, residues 310-330): MLLTFPLSFP[Ile320Val]SKLLDFFLGQ